The following is an entry in ClinVar:

ClinVar aggregate classification (germline): Uncertain significance (1 of 4 stars; one submission).

Submission:

Labcorp Genetics (formerly Invitae), Labcorp
Classification: Uncertain significance. Last evaluated: 2022-04-21. Review status: criteria provided, single submitter. Criteria: Invitae Variant Classification Sherloc (09022015). Collection method: clinical testing. Allele origin: germline.
Comment: This sequence change falls in intron 10 of the UBA5 gene. It does not directly change the encoded amino acid sequence of the UBA5 protein. This variant is not present in population databases (gnomAD no frequency). In summary, the available evidence is currently insufficient to determine the role of this variant in disease. Therefore, it has been classified as a Variant of Uncertain Significance. Algorithms developed to predict the effect of sequence changes on RNA splicing suggest that this variant may disrupt the consensus splice site. This variant has not been reported in the literature in individuals affected with UBA5-related conditions.

NM_024818.6(UBA5):c.1025-16A>G

Genes: NPHP3-ACAD11 (NPHP3-ACAD11 readthrough (NMD candidate); minus strand), UBA5 (ubiquitin like modifier activating enzyme 5; plus strand). Cytogenetic location: 3q22.1.
Variant type: single nucleotide variant.
Coding change: c.1025-16A>G on transcript NM_024818.6 (MANE Select); 16 bases into the intron before coding-DNA position 1025, A replaced by G.
Molecular consequence: intron variant.
Genome position (GRCh38, 1-based): chr3:132,675,801, A>G. VCF-style: chr3-132675801-A-G. GRCh37 (hg19) VCF-style: chr3-132394645-A-G.
Other names: c.857-16A>G (NM_198329.4, NM_001320210.2); c.689-16A>G (NM_001321239.1); c.755-16A>G (NM_001321238.2).
Identifiers: ClinVar variation 2128725 (VCV002128725.4), dbSNP rs2530349624, ClinGen allele CA2580068776.
Genomic context (GRCh38, chr3:132,675,801, plus strand): 5'-TCTAATAAGATTATACAAATTGAATAATTATTGCTTATTAAATTCCTTAAAAACTGACAT[A>G]GGATCAAATTTACAGGTATTGAGCTGGTATCTGAGGTTTCAGAAGAGGAACTGAAAAATT-3'